The following is an entry in ClinVar:

ClinVar aggregate classification (germline): Uncertain significance (1 of 4 stars; one submission).

Submission:

GeneDx
Classification: Uncertain significance. Last evaluated: 2024-06-07. Review status: criteria provided, single submitter. Criteria: GeneDx Variant Classification Process June 2021. Collection method: clinical testing. Allele origin: germline. Affected: yes.
Comment: Not observed at significant frequency in large population cohorts (gnomAD); In silico analysis indicates that this missense variant does not alter protein structure/function; Has not been previously published as pathogenic or benign to our knowledge

NM_182972.3(IRF2BP2):c.691G>T (p.Asp231Tyr)

Genes: IRF2BP2 (interferon regulatory factor 2 binding protein 2; minus strand), LOC129932811 (ATAC-STARR-seq lymphoblastoid silent region 1976; plus strand). Cytogenetic location: 1q42.3.
Variant type: single nucleotide variant.
Coding change: c.691G>T on transcript NM_182972.3 (MANE Select); coding-DNA position 691, G replaced by T.
Protein change: p.Asp231Tyr; replaces aspartic acid 231 with tyrosine.
Molecular consequence: missense variant.
Genome position (GRCh38, 1-based): chr1:234,608,804, C>A on the plus strand (G>T on the coding strand, the complement: IRF2BP2 is on the minus strand). VCF-style: chr1-234608804-C-A. GRCh37 (hg19) VCF-style: chr1-234744550-C-A.
Other names: c.691G>T, p.Asp231Tyr (NM_001077397.1); short protein forms D231Y.
Identifiers: ClinVar variation 3384254 (VCV003384254.1).